The following is an entry in ClinVar:

NM_182961.4(SYNE1):c.581+3A>T

Gene: SYNE1 (spectrin repeat containing nuclear envelope protein 1; minus strand). Cytogenetic location: 6q25.2.
Variant type: single nucleotide variant.
Coding change: c.581+3A>T on transcript NM_182961.4 (MANE Select); 3 bases into the intron after coding-DNA position 581, A replaced by T.
Molecular consequence: intron variant.
Genome position (GRCh38, 1-based): chr6:152,510,190, T>A on the plus strand (A>T on the coding strand, the complement: SYNE1 is on the minus strand). VCF-style: chr6-152510190-T-A. GRCh37 (hg19) VCF-style: chr6-152831325-T-A.
Other names: c.602+3A>T (NM_033071.5).
Identifiers: ClinVar variation 2062770 (VCV002062770.4), dbSNP rs2508956617, ClinGen allele CA2580075239.

ClinVar aggregate classification (germline): Uncertain significance (1 of 4 stars; one submission).

Conditions:
Emery-Dreifuss muscular dystrophy 4, autosomal dominant (EDMD4). Also called: EMERY-DREIFUSS MUSCULAR DYSTROPHY 4 WITH VARIABLE FEATURES. Identifiers: Orphanet 261, MedGen C2751807, MONDO:0013071, OMIM 612998.
Autosomal recessive ataxia, Beauce type. Also called: SYNE1 Deficiency; Spinocerebellar ataxia, autosomal recessive 8; ATAXIA, RECESSIVE, OF BEAUCE; SYNE1-Related Autosomal Recessive Cerebellar Ataxia. Identifiers: Orphanet 88644, MedGen C1853116, MONDO:0012549, OMIM 610743.

Submission:

Labcorp Genetics (formerly Invitae), Labcorp
Classification: Uncertain significance for Emery-Dreifuss muscular dystrophy 4, autosomal dominant; Autosomal recessive ataxia, Beauce type. Last evaluated: 2021-12-27. Review status: criteria provided, single submitter. Criteria: Invitae Variant Classification Sherloc (09022015). Collection method: clinical testing. Allele origin: germline.
Comment: This sequence change falls in intron 8 of the SYNE1 gene. It does not directly change the encoded amino acid sequence of the SYNE1 protein. It affects a nucleotide within the consensus splice site. Variants that disrupt the consensus splice site are a relatively common cause of aberrant splicing (PMID: 17576681, 9536098). Algorithms developed to predict the effect of sequence changes on RNA splicing suggest that this variant may disrupt the consensus splice site. In summary, the available evidence is currently insufficient to determine the role of this variant in disease. Therefore, it has been classified as a Variant of Uncertain Significance. This variant is not present in population databases (gnomAD no frequency). This variant has not been reported in the literature in individuals affected with SYNE1-related conditions.

Literature cited by the submitters: PubMed 17576681; PubMed 9536098.